The following is an entry in ClinVar:

NM_001365999.1(SZT2):c.4618G>A (p.Asp1540Asn)

Gene: SZT2 (SZT2 subunit of KICSTOR complex; plus strand). Cytogenetic location: 1p34.2.
Variant type: single nucleotide variant.
Coding change: c.4618G>A on transcript NM_001365999.1 (MANE Select); coding-DNA position 4618, G replaced by A.
Protein change: p.Asp1540Asn; replaces aspartic acid 1540 with asparagine.
Molecular consequence: missense variant.
Genome position (GRCh38, 1-based): chr1:43,430,633, G>A. VCF-style: chr1-43430633-G-A. GRCh37 (hg19) VCF-style: chr1-43896304-G-A.
Other names: p.Asp1483Asn; c.4447G>A, p.Asp1483Asn (NM_015284.4); c.4447G>A (NM_015284.3); short protein forms D1483N, D1540N.
Identifiers: ClinVar variation 377210 (VCV000377210.4), dbSNP rs1057520164, ClinGen allele CA16603304.

ClinVar aggregate classification (germline): Uncertain significance. Review status: criteria provided, multiple submitters, no conflicts (2 of 4 stars). 2 submissions from 2 submitters: Uncertain significance (2). Last evaluated 2021-12-02.

Allele frequency attached by ClinVar (database versions not stated): gnomAD 0.00001.
gnomAD v4.1: 3 of 1,614,228 alleles (0.00019%); highest among the groups gnomAD compares: African/African-American, 0.0013%; no homozygotes.

Submissions (2):

Mayo Clinic Laboratories, Mayo Clinic
Classification: Uncertain significance. Last evaluated: 2021-12-02. Review status: criteria provided, single submitter. Criteria: ACMG Guidelines, 2015. Collection method: clinical testing. Allele origin: germline. Observed: 1 variant allele.
Comment: BP4, PM2

Center for Pediatric Genomic Medicine, Children's Mercy Hospital and Clinics
Classification: Uncertain significance. Last evaluated: 2016-10-12. Review status: criteria provided, single submitter. Criteria: ACMG Guidelines, 2015. Collection method: clinical testing. Allele origin: germline.
ClinVar note: Converted during submission from Uncertain Significance to Uncertain significance.